The following is an entry in ClinVar:

NM_000053.4(ATP7B):c.4162del (p.Ala1388fs)

Gene: ATP7B (ATPase copper transporting beta; minus strand). Cytogenetic location: 13q14.3.
Variant type: Deletion.
Coding change: c.4162del on transcript NM_000053.4 (MANE Select); coding-DNA position 4162, one base deleted (G; older notation c.4162delG).
Protein change: p.Ala1388fs; shifts the reading frame from alanine 1388.
Molecular consequence: frameshift variant.
Genome position (GRCh38, 1-based): chr13:51,934,992, C deleted on the plus strand (G on the coding strand, the reverse complement: ATP7B is on the minus strand); the first of 2 consecutive C bases (chr13:51,934,992-51,934,993); deleting either gives the same sequence. VCF-style (leftmost placement, unchanged base first): chr13-51934991-GC-G. GRCh37 (hg19) VCF-style: chr13-52509127-GC-G.
Other names: c.3541del, p.Ala1181fs (NM_001005918.3); c.3829del, p.Ala1277fs (NM_001243182.2); c.3928del, p.Ala1310fs (NM_001330578.2, NM_001406527.1, NM_001406528.1); c.3910del, p.Ala1304fs (NM_001330579.2, NM_001406531.1, NM_001406532.1); c.4162del, p.Ala1388fs (NM_001406511.1, NM_001406512.1); c.4156del, p.Ala1386fs (NM_001406513.1); c.4129del, p.Ala1377fs (NM_001406514.1); c.4108del, p.Ala1370fs (NM_001406515.1, NM_001406516.1); and 21 more; short protein forms A1107fs, A1161fs, A1172fs, A1181fs, A1194fs, A1224fs, A1226fs, A1239fs.
Identifiers: ClinVar variation 4815583 (VCV004815583.1).

ClinVar aggregate classification (germline): Likely pathogenic (1 of 4 stars; one submission).

Conditions:
Wilson disease (WND). Also called: Wilson's disease. Identifiers: Orphanet 905, MedGen C0019202, MONDO:0010200, OMIM 277900. Disease mechanism: loss of function.

Submission:

Natera, Inc.
Classification: Likely pathogenic for Wilson disease. Last evaluated: 2025-02-28. Review status: criteria provided, single submitter. Criteria: Natera Variant Classification Schema (03/2026). Collection method: clinical testing. Allele origin: germline.
Comment: The c.4162delG variant in ATP7B is a frameshift variant predicted to shift the reading frame beginning at codon 1388 and leads to a stop codon 5 codons downstream. This variant is expected to result in nonsense mediated decay, truncation, or a dysfunctional protein product. This variant is rare in the general population with a frequency below the threshold expected for the associated phenotype(s). This variant has been observed in one or more individuals affected with the associated recessive disease, as either homozygous or compound heterozygous with a second variant (PMID: 38847512). Additionally, this variant has been observed to segregate in affected family members (PMID: 38847512). Given the available evidence, this variant is classified as Likely Pathogenic.

Literature cited by the submitters: PubMed 38847512.